The following is an entry in ClinVar:

NM_001134831.2(AHI1):c.3535G>T (p.Asp1179Tyr)

Gene: AHI1 (Abelson helper integration site 1; minus strand). Cytogenetic location: 6q23.3.
Variant type: single nucleotide variant.
Coding change: c.3535G>T on transcript NM_001134831.2 (MANE Select); coding-DNA position 3535, G replaced by T.
Protein change: p.Asp1179Tyr; replaces aspartic acid 1179 with tyrosine.
Molecular consequence: missense variant. On other transcripts: intron variant (1).
Genome position (GRCh38, 1-based): chr6:135,290,476, C>A on the plus strand (G>T on the coding strand, the complement: AHI1 is on the minus strand). VCF-style: chr6-135290476-C-A. GRCh37 (hg19) VCF-style: chr6-135611614-C-A.
Other names: c.3535G>T, p.Asp1179Tyr (NM_001134830.2, NM_001350503.2, NM_017651.5); c.3486-4829G>T (NM_001350504.2); short protein forms D1179Y.
Identifiers: ClinVar variation 512616 (VCV000512616.21), dbSNP rs188583221, ClinGen allele CA4011960.

ClinVar aggregate classification (germline): Conflicting classifications of pathogenicity. Review status: criteria provided, conflicting classifications (1 of 4 stars). 5 submissions from 5 submitters: Uncertain significance (1); Likely benign (3). 1 of the submissions does not count toward it. Last evaluated 2026-01-31.

Conditions:
Joubert syndrome. Also called: Familial aplasia of the vermis; JOUBERT-BOLTSHAUSER SYNDROME. Identifiers: Orphanet 475, MedGen C5979921, MONDO:0018772.
AHI1-related disorder. Also called: AHI1-related condition.
Joubert syndrome 3 (JBTS3). Also called: AHI1-related Ciliopathy. Identifiers: Orphanet 220493, MedGen C1837713, MONDO:0012078, OMIM 608629.

Allele frequency attached by ClinVar (database versions not stated): gnomAD exomes 0.00008 and 0.00028; ExAC 0.00030; ESP Exome Variant Server 0.00033; TOPMed 0.00035; gnomAD 0.00037; 1000 Genomes Project 0.00060; 1000 Genomes Project 30x 0.00078.
gnomAD v4.1: 238 of 1,613,662 alleles (0.015%); highest among the groups gnomAD compares: East Asian, 0.27%; no homozygotes.

Submissions (5):

Labcorp Genetics (formerly Invitae), Labcorp
Classification: Likely benign for Joubert syndrome. Last evaluated: 2026-01-31. Review status: criteria provided, single submitter. Criteria: Invitae Variant Classification Sherloc (09022015). Collection method: clinical testing. Allele origin: germline.

Blueprint Genetics
Classification: Likely benign. Last evaluated: 2024-11-01. Review status: criteria provided, single submitter. Criteria: ACMG Guidelines, 2015. Collection method: clinical testing. Allele origin: germline.

GeneDx
Classification: Likely benign. Last evaluated: 2020-05-08. Review status: criteria provided, single submitter. Criteria: GeneDx Variant Classification Process June 2021. Collection method: clinical testing. Allele origin: germline. Affected: yes.
Comment: This variant is associated with the following publications: (PMID: 24690944, 28863211)

Illumina Laboratory Services, Illumina
Classification: Uncertain significance for Joubert syndrome 3. Last evaluated: 2017-04-28. Review status: criteria provided, single submitter. Criteria: ICSL Variant Classification Criteria 13 December 2019. Collection method: clinical testing. Allele origin: germline.
Comment: This variant was observed as part of a predisposition screen in an ostensibly healthy population. A literature search was performed for the gene, cDNA change, and amino acid change (where applicable). Publications were found based on this search. However, the evidence from the literature, in combination with allele frequency data from public databases where available, was not sufficient to rule this variant in or out of causing disease. Therefore, this variant is classified as a variant of unknown significance.

PreventionGenetics, part of Exact Sciences
Classification: Likely benign for AHI1-related condition. Last evaluated: 2022-10-13. Review status: no assertion criteria provided. Collection method: clinical testing. Allele origin: germline. Not counted in ClinVar's aggregate classification.
Comment: This variant is classified as likely benign based on ACMG/AMP sequence variant interpretation guidelines (Richards et al. 2015 PMID: 25741868, with internal and published modifications).

Literature cited by the submitters: PubMed 24690944 (cited by Illumina Laboratory Services, Illumina).